The following is an entry in ClinVar:

ClinVar aggregate classification (germline): Benign. Review status: criteria provided, multiple submitters, no conflicts (2 of 4 stars). 3 submissions from 3 submitters: Benign (3). Last evaluated 2025-12-17.

Allele frequency attached by ClinVar (database versions not stated): gnomAD exomes 0.00047 and 0.00135; ExAC 0.00171; gnomAD 0.00530 and 0.00568; TOPMed 0.00598; 1000 Genomes Project 0.00659; ESP Exome Variant Server 0.00661; 1000 Genomes Project 30x 0.00671.

Submissions (3):

Labcorp Genetics (formerly Invitae), Labcorp
Classification: Benign. Last evaluated: 2025-12-17. Review status: criteria provided, single submitter. Criteria: Invitae Variant Classification Sherloc (09022015). Collection method: clinical testing. Allele origin: germline.

GeneDx
Classification: Benign. Last evaluated: 2020-07-13. Review status: criteria provided, single submitter. Criteria: GeneDx Variant Classification Process June 2021. Collection method: clinical testing. Allele origin: germline. Affected: yes.
Comment: This variant is associated with the following publications: (PMID: 31200363)

Breakthrough Genomics
Classification: Benign. Review status: criteria provided, single submitter. Criteria: ACMG Guidelines, 2015. Collection method: not provided. Allele origin: germline. Inheritance: Autosomal dominant inheritance. Affected: yes.

NM_001126128.2(PROK2):c.332C>A (p.Pro111Gln)

Gene: PROK2 (prokineticin 2; minus strand). Cytogenetic location: 3p13.
Variant type: single nucleotide variant.
Coding change: c.332C>A on transcript NM_001126128.2 (MANE Select); coding-DNA position 332, C replaced by A.
Protein change: p.Pro111Gln; replaces proline 111 with glutamine.
Molecular consequence: missense variant.
Genome position (GRCh38, 1-based): chr3:71,772,782, G>T on the plus strand (C>A on the coding strand, the complement: PROK2 is on the minus strand). VCF-style: chr3-71772782-G-T. GRCh37 (hg19) VCF-style: chr3-71821933-G-T.
Other names: c.269C>A, p.Pro90Gln (NM_021935.4); short protein forms P90Q, P111Q.
Identifiers: ClinVar variation 695610 (VCV000695610.10), dbSNP rs60239864, ClinGen allele CA2491957.
Genomic context (GRCh38, chr3:71,772,782, plus strand): 5'-GATTACTTTTGGGCTAAACAAATAAATCGGTTAAATGAAGTCCGTAAACAGGCCAAGCCT[G>T]GCAGACATGGGCAAGTGTGATGCATCCTCCGCCCAAAAAATGGAACCTAAATAAAAAAGA-3'
Protein context (NP_001119600.1, residues 101-121): RRMHHTCPCL[Pro111Gln]GLACLRTSFN